The following is an entry in ClinVar:

ClinVar aggregate classification (germline): Uncertain significance (1 of 4 stars; one submission).

Conditions:
LRRC45-related disorder. Also called: LRRC45-related condition.

Submissions (3):

PreventionGenetics, part of Exact Sciences
Classification: Uncertain significance for LRRC45-related condition. Last evaluated: 2026-02-04. Review status: criteria provided, single submitter. Criteria: ACMG Guidelines, 2015. Collection method: clinical testing. Allele origin: germline.
Comment: The LRRC45 c.1379C>T variant is predicted to result in the amino acid substitution p.Ala460Val. To our knowledge, this variant has not been reported in the literature. This variant is reported in 0.041% of alleles in individuals of East Asian descent in gnomAD. At this time, the clinical significance of this variant is uncertain due to the absence of conclusive functional and genetic evidence.

Dr. Peter K. Rogan Lab, Western University
No classification provided (evidence only). Condition: Uterine corpus endometrial carcinoma. Review status: no classification provided. Collection method: in vitro. Allele origin: not applicable. Functional consequence: retained intron. Not counted in ClinVar's aggregate classification.

Dr. Peter K. Rogan Lab, Western University
No classification provided (evidence only). Condition: Gastric cancer. Review status: no classification provided. Collection method: in vitro. Allele origin: not applicable. Functional consequence: retained intron. Not counted in ClinVar's aggregate classification.

NM_144999.4(LRRC45):c.1379C>T (p.Ala460Val)

Gene: LRRC45 (leucine rich repeat containing 45; plus strand). Cytogenetic location: 17q25.3.
Variant type: single nucleotide variant.
Coding change: c.1379C>T on transcript NM_144999.4 (MANE Select); coding-DNA position 1379, C replaced by T.
Protein change: p.Ala460Val; replaces alanine 460 with valine.
Molecular consequence: missense variant.
Genome position (GRCh38, 1-based): chr17:82,029,163, C>T. VCF-style: chr17-82029163-C-T. GRCh37 (hg19) VCF-style: chr17-79987039-C-T.
Other names: NC_000017.10:g.79987039C>T; c.1379C>T (NM_144999.3); short protein forms A460V.
Identifiers: ClinVar variation 4429298 (VCV004429298.2).